The following is an entry in ClinVar:

NM_001145809.2(MYH14):c.2126G>A (p.Arg709Gln)

Gene: MYH14 (myosin heavy chain 14; plus strand). Cytogenetic location: 19q13.33.
Variant type: single nucleotide variant.
Coding change: c.2126G>A on transcript NM_001145809.2 (MANE Select); coding-DNA position 2126, G replaced by A.
Protein change: p.Arg709Gln; replaces arginine 709 with glutamine.
Molecular consequence: missense variant.
Genome position (GRCh38, 1-based): chr19:50,257,380, G>A. VCF-style: chr19-50257380-G-A. GRCh37 (hg19) VCF-style: chr19-50760637-G-A.
Other names: c.2027G>A, p.Arg676Gln (NM_001077186.2); c.2003G>A, p.Arg668Gln (NM_024729.4); short protein forms R668Q, R709Q, R676Q.
Identifiers: ClinVar variation 329917 (VCV000329917.11), dbSNP rs766802012, ClinGen allele CA9592802.

ClinVar aggregate classification (germline): Uncertain significance. Review status: criteria provided, multiple submitters, no conflicts (2 of 4 stars). 3 submissions from 3 submitters: Uncertain significance (3). Last evaluated 2022-10-28.

Conditions:
Autosomal dominant nonsyndromic hearing loss 4A. Also called: Deafness, autosomal dominant 4A. Identifiers: Orphanet 90635, MedGen C1833503, MONDO:0010915, OMIM 600652.

Allele frequency attached by ClinVar (database versions not stated): gnomAD 0.00001; TOPMed 0.00001; ExAC 0.00002; gnomAD exomes 0.00002.
gnomAD v4.1: 29 of 1,607,528 alleles (0.0018%); highest among the groups gnomAD compares: Non-Finnish European, 0.0021%; no homozygotes.

Submissions (3):

Labcorp Genetics (formerly Invitae), Labcorp
Classification: Uncertain significance. Last evaluated: 2022-10-28. Review status: criteria provided, single submitter. Criteria: Invitae Variant Classification Sherloc (09022015). Collection method: clinical testing. Allele origin: germline.
Comment: In summary, the available evidence is currently insufficient to determine the role of this variant in disease. Therefore, it has been classified as a Variant of Uncertain Significance. Advanced modeling of protein sequence and biophysical properties (such as structural, functional, and spatial information, amino acid conservation, physicochemical variation, residue mobility, and thermodynamic stability) has been performed at Invitae for this missense variant, however the output from this modeling did not meet the statistical confidence thresholds required to predict the impact of this variant on MYH14 protein function. ClinVar contains an entry for this variant (Variation ID: 329917). This missense change has been observed in at least one individual who was not affected with MYH14-related conditions (Invitae). This variant has not been reported in the literature in individuals affected with MYH14-related conditions. The frequency data for this variant in the population databases is considered unreliable, as metrics indicate poor data quality at this position in the gnomAD database. This sequence change replaces arginine, which is basic and polar, with glutamine, which is neutral and polar, at codon 668 of the MYH14 protein (p.Arg668Gln).

GeneDx
Classification: Uncertain significance. Last evaluated: 2021-06-08. Review status: criteria provided, single submitter. Criteria: GeneDx Variant Classification Process June 2021. Collection method: clinical testing. Allele origin: germline. Affected: yes.
Comment: In silico analysis supports that this missense variant has a deleterious effect on protein structure/function; Has not been previously published as pathogenic or benign to our knowledge

Illumina Laboratory Services, Illumina
Classification: Uncertain significance for Autosomal dominant nonsyndromic hearing loss 4A. Last evaluated: 2018-01-13. Review status: criteria provided, single submitter. Criteria: ICSL Variant Classification Criteria 13 December 2019. Collection method: clinical testing. Allele origin: germline.